The following is an entry in ClinVar:

NM_004064.5(CDKN1B):c.448G>C (p.Gly150Arg)

Gene: CDKN1B (cyclin dependent kinase inhibitor 1B; plus strand). Cytogenetic location: 12p13.1.
Variant type: single nucleotide variant.
Coding change: c.448G>C on transcript NM_004064.5 (MANE Select); coding-DNA position 448, G replaced by C.
Protein change: p.Gly150Arg; replaces glycine 150 with arginine.
Molecular consequence: missense variant.
Genome position (GRCh38, 1-based): chr12:12,718,287, G>C. VCF-style: chr12-12718287-G-C. GRCh37 (hg19) VCF-style: chr12-12871221-G-C.
Other names: short protein forms G150R.
Identifiers: ClinVar variation 1740962 (VCV001740962.2), dbSNP rs1592281257, ClinGen allele CA383970840.

ClinVar aggregate classification (germline): Uncertain significance (1 of 4 stars; one submission).

Conditions:
Hereditary cancer-predisposing syndrome. Also called: Hereditary Cancer Syndrome; Hereditary neoplastic syndrome; Neoplastic Syndromes, Hereditary; Tumor predisposition. Identifiers: Orphanet 140162, MedGen C0027672, MeSH D009386, MONDO:0015356.

Submission:

Ambry Genetics
Classification: Uncertain significance for Hereditary cancer-predisposing syndrome. Last evaluated: 2021-08-27. Review status: criteria provided, single submitter. Criteria: Ambry Variant Classification Scheme 2023. Collection method: clinical testing. Allele origin: germline.
Comment: The p.G150R variant (also known as c.448G>C), located in coding exon 1 of the CDKN1B gene, results from a G to C substitution at nucleotide position 448. The glycine at codon 150 is replaced by arginine, an amino acid with dissimilar properties. This amino acid position is well conserved in available vertebrate species. In addition, this alteration is predicted to be tolerated by in silico analysis. Since supporting evidence is limited at this time, the clinical significance of this alteration remains unclear.